The following is an entry in ClinVar:

ClinVar aggregate classification (germline): Uncertain significance (1 of 4 stars; one submission).

Submission:

Labcorp Genetics (formerly Invitae), Labcorp
Classification: Uncertain significance. Last evaluated: 2024-04-03. Review status: criteria provided, single submitter. Criteria: Invitae Variant Classification Sherloc (09022015). Collection method: clinical testing. Allele origin: germline.
Comment: This sequence change replaces cysteine, which is neutral and slightly polar, with tyrosine, which is neutral and polar, at codon 4032 of the RNF213 protein (p.Cys4032Tyr). This variant is not present in population databases (gnomAD no frequency). This variant has not been reported in the literature in individuals affected with RNF213-related conditions. An algorithm developed to predict the effect of missense changes on protein structure and function (PolyPhen-2) suggests that this variant is likely to be disruptive. In summary, the available evidence is currently insufficient to determine the role of this variant in disease. Therefore, it has been classified as a Variant of Uncertain Significance.

NM_001256071.3(RNF213):c.12095G>A (p.Cys4032Tyr)

Genes: RNF213 (ring finger protein 213; plus strand), RNF213-AS1 (RNF213 antisense RNA 1; minus strand). Cytogenetic location: 17q25.3.
Variant type: single nucleotide variant.
Coding change: c.12095G>A on transcript NM_001256071.3 (MANE Select); coding-DNA position 12095, G replaced by A.
Protein change: p.Cys4032Tyr; replaces cysteine 4032 with tyrosine.
Molecular consequence: missense variant.
Genome position (GRCh38, 1-based): chr17:80,368,083, G>A. VCF-style: chr17-80368083-G-A. GRCh37 (hg19) VCF-style: chr17-78341883-G-A.
Other names: c.12242G>A, p.Cys4081Tyr (NM_001410195.1, NM_020914.5); short protein forms C4081Y, C4032Y.
Identifiers: ClinVar variation 3648636 (VCV003648636.2).